The following is an entry in ClinVar:

NM_005732.4(RAD50):c.2849A>G (p.Lys950Arg)

Gene: RAD50 (RAD50 double strand break repair protein; plus strand). Cytogenetic location: 5q31.1.
Variant type: single nucleotide variant.
Coding change: c.2849A>G on transcript NM_005732.4 (MANE Select); coding-DNA position 2849, A replaced by G.
Protein change: p.Lys950Arg; replaces lysine 950 with arginine.
Molecular consequence: missense variant.
Genome position (GRCh38, 1-based): chr5:132,609,136, A>G. VCF-style: chr5-132609136-A-G. GRCh37 (hg19) VCF-style: chr5-131944828-A-G.
Other names: c.2849A>G (NM_005732.3); short protein forms K950R.
Identifiers: ClinVar variation 1025585 (VCV001025585.10), dbSNP rs1751037513, ClinGen allele CA360959468.

ClinVar aggregate classification (germline): Uncertain significance. Review status: criteria provided, multiple submitters, no conflicts (2 of 4 stars). 2 submissions from 2 submitters: Uncertain significance (2). Last evaluated 2023-11-17.

Conditions:
Hereditary cancer-predisposing syndrome. Also called: Neoplastic Syndromes, Hereditary; Tumor predisposition; Hereditary Cancer Syndrome; Hereditary neoplastic syndrome. Identifiers: Orphanet 140162, MedGen C0027672, MeSH D009386, MONDO:0015356.

Allele frequency attached by ClinVar (database versions not stated): gnomAD exomes below 0.00001.
gnomAD v4.1: 1 of 1,611,784 alleles (0.000062%); highest among the groups gnomAD compares: Non-Finnish European, 0.000085%; no homozygotes.

Submissions (2):

Ambry Genetics
Classification: Uncertain significance for Hereditary cancer-predisposing syndrome. Last evaluated: 2023-11-17. Review status: criteria provided, single submitter. Criteria: Ambry Variant Classification Scheme 2023. Collection method: clinical testing. Allele origin: germline.
Comment: The p.K950R variant (also known as c.2849A>G), located in coding exon 18 of the RAD50 gene, results from an A to G substitution at nucleotide position 2849. The lysine at codon 950 is replaced by arginine, an amino acid with highly similar properties. This amino acid position is conserved. In addition, this alteration is predicted to be tolerated by in silico analysis. Since supporting evidence is limited at this time, the clinical significance of this alteration remains unclear.

Labcorp Genetics (formerly Invitae), Labcorp
Classification: Uncertain significance for Hereditary cancer-predisposing syndrome. Last evaluated: 2023-09-18. Review status: criteria provided, single submitter. Criteria: Invitae Variant Classification Sherloc (09022015). Collection method: clinical testing. Allele origin: germline.
Comment: This sequence change replaces lysine, which is basic and polar, with arginine, which is basic and polar, at codon 950 of the RAD50 protein (p.Lys950Arg). This variant is not present in population databases (gnomAD no frequency). This variant has not been reported in the literature in individuals affected with RAD50-related conditions. ClinVar contains an entry for this variant (Variation ID: 1025585). Advanced modeling of protein sequence and biophysical properties (such as structural, functional, and spatial information, amino acid conservation, physicochemical variation, residue mobility, and thermodynamic stability) performed at Invitae indicates that this missense variant is not expected to disrupt RAD50 protein function. In summary, the available evidence is currently insufficient to determine the role of this variant in disease. Therefore, it has been classified as a Variant of Uncertain Significance.